The following is an entry in ClinVar:

NM_005881.4(BCKDK):c.34G>A (p.Gly12Arg)

Gene: BCKDK (branched chain keto acid dehydrogenase kinase; plus strand). Cytogenetic location: 16p11.2.
Variant type: single nucleotide variant.
Coding change: c.34G>A on transcript NM_005881.4 (MANE Select); coding-DNA position 34, G replaced by A.
Protein change: p.Gly12Arg; replaces glycine 12 with arginine.
Molecular consequence: missense variant.
Genome position (GRCh38, 1-based): chr16:31,109,257, G>A. VCF-style: chr16-31109257-G-A. GRCh37 (hg19) VCF-style: chr16-31120578-G-A.
Other names: c.34G>A, p.Gly12Arg (NM_001122957.4, NM_001271926.3); short protein forms G12R.
Identifiers: ClinVar variation 1478944 (VCV001478944.6), dbSNP rs1414828775, ClinGen allele CA395652386.

ClinVar aggregate classification (germline): Uncertain significance (1 of 4 stars; one submission).

Conditions:
Branched-chain keto acid dehydrogenase kinase deficiency (BCKDKD). Also called: BCKDK DEFICIENCY. Identifiers: Orphanet 308410, MedGen C3554078, MONDO:0013970, OMIM 614923.

gnomAD v4.1: 13 of 1,550,638 alleles (0.00084%); highest among the groups gnomAD compares: East Asian, 0.0023%; no homozygotes.

Submission:

Labcorp Genetics (formerly Invitae), Labcorp
Classification: Uncertain significance for Branched-chain keto acid dehydrogenase kinase deficiency. Last evaluated: 2023-08-04. Review status: criteria provided, single submitter. Criteria: Invitae Variant Classification Sherloc (09022015). Collection method: clinical testing. Allele origin: germline.
Comment: In summary, the available evidence is currently insufficient to determine the role of this variant in disease. Therefore, it has been classified as a Variant of Uncertain Significance. Algorithms developed to predict the effect of missense changes on protein structure and function output the following: SIFT: "Not Available"; PolyPhen-2: "Not Available"; Align-GVGD: "Not Available". The arginine amino acid residue is found in multiple mammalian species, which suggests that this missense change does not adversely affect protein function. ClinVar contains an entry for this variant (Variation ID: 1478944). This variant has not been reported in the literature in individuals affected with BCKDK-related conditions. The frequency data for this variant in the population databases is considered unreliable, as metrics indicate poor data quality at this position in the gnomAD database. This sequence change replaces glycine, which is neutral and non-polar, with arginine, which is basic and polar, at codon 12 of the BCKDK protein (p.Gly12Arg).